The following is an entry in ClinVar:

NM_000245.4(MET):c.80_81delinsGG (p.Lys27Arg)

Gene: MET (MET proto-oncogene, receptor tyrosine kinase; plus strand). Cytogenetic location: 7q31.2.
Variant type: Indel.
Coding change: c.80_81delinsGG on transcript NM_000245.4 (MANE Select); coding-DNA positions 80 to 81, AA replaced by GG.
Protein change: p.Lys27Arg; replaces lysine 27 with arginine.
Molecular consequence: missense variant. On other transcripts: intron variant (1).
Genome position (GRCh38, 1-based): chr7:116,699,164-116,699,165, AA replaced by GG. VCF-style: chr7-116699164-AA-GG. GRCh37 (hg19) VCF-style: chr7-116339218-AA-GG.
Other names: c.80_81delinsGG, p.Lys27Arg (NM_001127500.3, NM_001324401.3); c.-91+26587_-91+26588delinsGG (NM_001324402.2); short protein forms K27R.
Identifiers: ClinVar variation 2119357 (VCV002119357.4), dbSNP rs2485505028, ClinGen allele CA2580076236.

ClinVar aggregate classification (germline): Uncertain significance (1 of 4 stars; one submission).

Conditions:
Renal cell carcinoma. Identifiers: Orphanet 217071, MedGen C0007134, MeSH D002292, MONDO:0005086, HP:0005584.

Submission:

Labcorp Genetics (formerly Invitae), Labcorp
Classification: Uncertain significance for Renal cell carcinoma. Last evaluated: 2022-03-29. Review status: criteria provided, single submitter. Criteria: Invitae Variant Classification Sherloc (09022015). Collection method: clinical testing. Allele origin: germline.
Comment: In summary, the available evidence is currently insufficient to determine the role of this variant in disease. Therefore, it has been classified as a Variant of Uncertain Significance. Algorithms developed to predict the effect of missense changes on protein structure and function are either unavailable or do not agree on the potential impact of this missense change (SIFT: "Not Available"; PolyPhen-2: "Benign"; Align-GVGD: "Not Available"). This variant has not been reported in the literature in individuals affected with MET-related conditions. Information on the frequency of this variant in the gnomAD database is not available, as this variant may be reported differently in the database. This variant, c.80_81delinsGG, is a complex sequence change that results in the deletion of 1 and insertion of 1 amino acid(s) in the MET protein (p.Lys27Arg).